The following is an entry in ClinVar:

ClinVar aggregate classification (germline): Uncertain significance (1 of 4 stars; one submission).

Conditions:
Hereditary cancer-predisposing syndrome. Also called: Neoplastic Syndromes, Hereditary; Tumor predisposition; Hereditary Cancer Syndrome; Hereditary neoplastic syndrome. Identifiers: Orphanet 140162, MedGen C0027672, MeSH D009386, MONDO:0015356.

Submission:

Ambry Genetics
Classification: Uncertain significance for Hereditary cancer-predisposing syndrome. Last evaluated: 2020-09-15. Review status: criteria provided, single submitter. Criteria: Ambry Variant Classification Scheme 2023. Collection method: clinical testing. Allele origin: germline.
Comment: The p.H1349N variant (also known as c.4045C>A), located in coding exon 15 of the APC gene, results from a C to A substitution at nucleotide position 4045. The histidine at codon 1349 is replaced by asparagine, an amino acid with similar properties. This amino acid position is well conserved in available vertebrate species. In addition, in silico predictors for this gene do not accurately predict pathogenicity. Since supporting evidence is limited at this time, the clinical significance of this alteration remains unclear.

NM_000038.6(APC):c.4045C>A (p.His1349Asn)

Gene: APC (APC regulator of Wnt signaling pathway; plus strand). Cytogenetic location: 5q22.2.
Variant type: single nucleotide variant.
Coding change: c.4045C>A on transcript NM_000038.6 (MANE Select); coding-DNA position 4045, C replaced by A.
Protein change: p.His1349Asn; replaces histidine 1349 with asparagine.
Molecular consequence: missense variant.
Genome position (GRCh38, 1-based): chr5:112,839,639, C>A. VCF-style: chr5-112839639-C-A. GRCh37 (hg19) VCF-style: chr5-112175336-C-A.
Other names: c.4045C>A, p.His1349Asn (NM_001127510.3, NM_001354895.2, NM_001407450.1); c.3991C>A, p.His1331Asn (NM_001127511.3); c.4099C>A, p.His1367Asn (NM_001354896.2, NM_001407447.1, NM_001407448.1 and 1 more transcripts); c.4075C>A, p.His1359Asn (NM_001354897.2); c.3970C>A, p.His1324Asn (NM_001354898.2); c.3961C>A, p.His1321Asn (NM_001354899.2); c.3922C>A, p.His1308Asn (NM_001354900.2); c.3868C>A, p.His1290Asn (NM_001354901.2, NM_001407453.1); and 11 more; short protein forms H1223N, H1258N, H1308N, H1321N, H1342N, H1359N, H1189N, H1266N.
Identifiers: ClinVar variation 1737315 (VCV001737315.2), dbSNP rs1580643284, ClinGen allele CA16030195.
Genomic context (GRCh38, chr5:112,839,639, plus strand): 5'-CACCCTAGAACCAAATCCAGCAGACTGCAGGGTTCTAGTTTATCTTCAGAATCAGCCAGG[C>A]ACAAAGCTGTTGAATTTTCTTCAGGAGCGAAATCTCCCTCCAAAAGTGGTGCTCAGACAC-3'
Protein context (NP_000029.2, residues 1339-1359): GSSLSSESAR[His1349Asn]KAVEFSSGAK